The following is an entry in ClinVar:

NM_005228.5(EGFR):c.3028G>A (p.Val1010Met)

Gene: EGFR (epidermal growth factor receptor; plus strand). Cytogenetic location: 7p11.2.
Variant type: single nucleotide variant.
Coding change: c.3028G>A on transcript NM_005228.5 (MANE Select); coding-DNA position 3028, G replaced by A.
Protein change: p.Val1010Met; replaces valine 1010 with methionine.
Molecular consequence: missense variant.
Genome position (GRCh38, 1-based): chr7:55,201,269, G>A. VCF-style: chr7-55201269-G-A. GRCh37 (hg19) VCF-style: chr7-55268962-G-A.
Other names: c.2893G>A, p.Val965Met (NM_001346897.2, NM_001346899.2); c.3028G>A, p.Val1010Met (NM_001346898.2); c.2869G>A, p.Val957Met (NM_001346900.2); c.2227G>A, p.Val743Met (NM_001346941.2); short protein forms V965M, V743M, V1010M, V957M.
Identifiers: ClinVar variation 844042 (VCV000844042.12), dbSNP rs757699239, ClinGen allele CA4266243.

ClinVar aggregate classification (germline): Conflicting classifications of pathogenicity. Review status: criteria provided, conflicting classifications (1 of 4 stars). 2 submissions from 2 submitters: Uncertain significance (1); Likely benign (1). Last evaluated 2025-08-21.

Conditions:
Hereditary cancer-predisposing syndrome. Also called: Hereditary Cancer Syndrome; Hereditary neoplastic syndrome; Tumor predisposition; Neoplastic Syndromes, Hereditary. Identifiers: Orphanet 140162, MedGen C0027672, MeSH D009386, MONDO:0015356.
EGFR-related lung cancer (EGFR). Identifiers: MedGen CN130014.

Allele frequency attached by ClinVar (database versions not stated): gnomAD 0.00001; TOPMed 0.00001; ExAC 0.00002.
gnomAD v4.1: 10 of 1,614,054 alleles (0.00062%); highest among the groups gnomAD compares: South Asian, 0.0033%; no homozygotes.

Submissions (2):

Labcorp Genetics (formerly Invitae), Labcorp
Classification: Uncertain significance for EGFR-related lung cancer. Last evaluated: 2025-08-21. Review status: criteria provided, single submitter. Criteria: Invitae Variant Classification Sherloc (09022015). Collection method: clinical testing. Allele origin: germline.
Comment: This sequence change replaces valine, which is neutral and non-polar, with methionine, which is neutral and non-polar, at codon 1010 of the EGFR protein (p.Val1010Met). This variant is present in population databases (rs757699239, gnomAD 0.003%). This variant has not been reported in the literature in individuals affected with EGFR-related conditions. ClinVar contains an entry for this variant (Variation ID: 844042). An algorithm developed to predict the effect of missense changes on protein structure and function (PolyPhen-2) suggests that this variant is likely to be tolerated. In summary, the available evidence is currently insufficient to determine the role of this variant in disease. Therefore, it has been classified as a Variant of Uncertain Significance.

Ambry Genetics
Classification: Likely benign for Hereditary cancer-predisposing syndrome. Last evaluated: 2025-08-07. Review status: criteria provided, single submitter. Criteria: Ambry Variant Classification Scheme 2023. Collection method: clinical testing. Allele origin: germline.